The following is an entry in ClinVar:

ClinVar aggregate classification (germline): Pathogenic. Review status: criteria provided, multiple submitters, no conflicts (2 of 4 stars). 3 submissions from 3 submitters: Pathogenic (3). Last evaluated 2021-11-07.

Conditions:
Hereditary cancer-predisposing syndrome. Also called: Hereditary Cancer Syndrome; Neoplastic Syndromes, Hereditary; Tumor predisposition; Hereditary neoplastic syndrome. Identifiers: Orphanet 140162, MedGen C0027672, MeSH D009386, MONDO:0015356.
Microcephaly, normal intelligence and immunodeficiency (NBS). Also called: Immunodeficiency, microcephaly with normal intelligence; SEEMANOVA SYNDROME II; Nijmegen breakage syndrome; Microcephaly with normal intelligence immunodeficiency and lymphoreticular malignancies; Nonsyndromal microcephaly autosomal recessive with normal intelligence; Seemanova syndrome 2. Identifiers: Orphanet 647, MedGen C0398791, MONDO:0009623, OMIM 251260.

Submissions (3):

Genome-Nilou Lab
Classification: Pathogenic for Microcephaly, normal intelligence and immunodeficiency. Last evaluated: 2021-11-07. Review status: criteria provided, single submitter. Criteria: ACMG Guidelines, 2015. Collection method: clinical testing. Allele origin: germline. Affected: no.

Labcorp Genetics (formerly Invitae), Labcorp
Classification: Pathogenic for Microcephaly, normal intelligence and immunodeficiency. Last evaluated: 2021-10-18. Review status: criteria provided, single submitter. Criteria: Invitae Variant Classification Sherloc (09022015). Collection method: clinical testing. Allele origin: germline.
Comment: This sequence change creates a premature translational stop signal (p.Val386Serfs*27) in the NBN gene. It is expected to result in an absent or disrupted protein product. Loss-of-function variants in NBN are known to be pathogenic (PMID: 9590180, 16415040). This variant is present in population databases (rs772612131, ExAC 0.006%). This variant has not been reported in the literature in individuals affected with NBN-related conditions. ClinVar contains an entry for this variant (Variation ID: 630220). For these reasons, this variant has been classified as Pathogenic.

Ambry Genetics
Classification: Pathogenic for Hereditary cancer-predisposing syndrome. Last evaluated: 2020-04-27. Review status: criteria provided, single submitter. Criteria: Ambry Variant Classification Scheme 2023. Collection method: clinical testing. Allele origin: germline.
Comment: The c.1155dupA pathogenic mutation, located in coding exon 10 of the NBN gene, results from a duplication of A at nucleotide position 1155, causing a translational frameshift with a predicted alternate stop codon (p.V386Sfs*27). This alteration is expected to result in loss of function by premature protein truncation or nonsense-mediated mRNA decay. As such, this alteration is interpreted as a disease-causing mutation.

Literature cited by the submitters: PubMed 9590180 (cited by Labcorp Genetics (formerly Invitae), Labcorp); PubMed 16415040 (cited by Labcorp Genetics (formerly Invitae), Labcorp).

NM_002485.5(NBN):c.1155dup (p.Val386fs)

Gene: NBN (nibrin; minus strand). Cytogenetic location: 8q21.3.
Variant type: Duplication.
Coding change: c.1155dup on transcript NM_002485.5 (MANE Select); coding-DNA position 1155, one base duplicated (A; older notation c.1155dupA).
Protein change: p.Val386fs; shifts the reading frame from valine 386.
Molecular consequence: frameshift variant.
Genome position (GRCh38, 1-based): chr8:89,955,525, T duplicated on the plus strand (A on the coding strand, the reverse complement: NBN is on the minus strand); the first of 3 consecutive T bases (chr8:89,955,525-89,955,527); duplicating any one gives the same sequence. VCF-style (leftmost placement, unchanged base first): chr8-89955524-C-CT. GRCh37 (hg19) VCF-style: chr8-90967752-C-CT.
Other names: c.1155dupA (NM_002485.4); c.909dup, p.Val304fs (NM_001024688.3); short protein forms V304fs, V386fs.
Identifiers: ClinVar variation 630220 (VCV000630220.16), dbSNP rs748513310, ClinGen allele CA4802787.